The following is an entry in ClinVar:

NM_002471.4(MYH6):c.4589A>T (p.Lys1530Met)

Gene: MYH6 (myosin heavy chain 6; minus strand). Cytogenetic location: 14q11.2.
Variant type: single nucleotide variant.
Coding change: c.4589A>T on transcript NM_002471.4 (MANE Select); coding-DNA position 4589, A replaced by T.
Protein change: p.Lys1530Met; replaces lysine 1530 with methionine.
Molecular consequence: missense variant.
Genome position (GRCh38, 1-based): chr14:23,387,590, T>A on the plus strand (A>T on the coding strand, the complement: MYH6 is on the minus strand). VCF-style: chr14-23387590-T-A. GRCh37 (hg19) VCF-style: chr14-23856799-T-A.
Other names: short protein forms K1530M.
Identifiers: ClinVar variation 3659204 (VCV003659204.2).

ClinVar aggregate classification (germline): Uncertain significance (1 of 4 stars; one submission).

Conditions:
Hypertrophic cardiomyopathy 14. Identifiers: MedGen C2750467, MONDO:0013197, OMIM 613251.

gnomAD v4.1: 4 of 1,614,110 alleles (0.00025%); highest among the groups gnomAD compares: South Asian, 0.0044%; 1 homozygote.

Submission:

Labcorp Genetics (formerly Invitae), Labcorp
Classification: Uncertain significance for Hypertrophic cardiomyopathy 14. Last evaluated: 2024-07-17. Review status: criteria provided, single submitter. Criteria: Invitae Variant Classification Sherloc (09022015). Collection method: clinical testing. Allele origin: germline.
Comment: This sequence change replaces lysine, which is basic and polar, with methionine, which is neutral and non-polar, at codon 1530 of the MYH6 protein (p.Lys1530Met). This variant is present in population databases (rs745594593, gnomAD 0.003%). This variant has not been reported in the literature in individuals affected with MYH6-related conditions. Advanced modeling of protein sequence and biophysical properties (such as structural, functional, and spatial information, amino acid conservation, physicochemical variation, residue mobility, and thermodynamic stability) performed at Invitae indicates that this missense variant is expected to disrupt MYH6 protein function with a positive predictive value of 80%. In summary, the available evidence is currently insufficient to determine the role of this variant in disease. Therefore, it has been classified as a Variant of Uncertain Significance.